The following is an entry in ClinVar:

ClinVar aggregate classification (germline): Conflicting classifications of pathogenicity. Review status: criteria provided, conflicting classifications (1 of 4 stars). 3 submissions from 3 submitters: Uncertain significance (1); Likely benign (2). Last evaluated 2026-08-28.

Conditions:
Hereditary breast ovarian cancer syndrome. Also called: Hereditary breast and/or ovarian cancer syndrome; BRCA1- and BRCA2-Associated Hereditary Breast and Ovarian Cancer; Hereditary breast and ovarian cancer syndrome; Breast and ovarian cancer; Hereditary breast and ovarian cancer; Hereditary breast and ovarian cancer syndrome (HBOC). Identifiers: Orphanet 145, MedGen C0677776, MeSH D061325, MONDO:0003582. Disease mechanism: loss of function.
Hereditary cancer-predisposing syndrome. Also called: Neoplastic Syndromes, Hereditary; Hereditary neoplastic syndrome; Hereditary Cancer Syndrome; Tumor predisposition. Identifiers: Orphanet 140162, MedGen C0027672, MeSH D009386, MONDO:0015356.

Submissions (3):

Ambry Genetics
Classification: Likely benign for Hereditary cancer-predisposing syndrome. Last evaluated: 2026-08-28. Review status: criteria provided, single submitter. Criteria: Ambry Variant Classification Scheme 2023. Collection method: clinical testing. Allele origin: germline.

Labcorp Genetics (formerly Invitae), Labcorp
Classification: Uncertain significance for Hereditary breast ovarian cancer syndrome. Last evaluated: 2024-06-15. Review status: criteria provided, single submitter. Criteria: Invitae Variant Classification Sherloc (09022015). Collection method: clinical testing. Allele origin: germline.
Comment: This sequence change replaces serine, which is neutral and polar, with glycine, which is neutral and non-polar, at codon 326 of the BRCA2 protein (p.Ser326Gly). This variant is not present in population databases (gnomAD no frequency). This variant has not been reported in the literature in individuals affected with BRCA2-related conditions. ClinVar contains an entry for this variant (Variation ID: 462535). Advanced modeling of protein sequence and biophysical properties (such as structural, functional, and spatial information, amino acid conservation, physicochemical variation, residue mobility, and thermodynamic stability) performed at Invitae indicates that this missense variant is not expected to disrupt BRCA2 protein function with a negative predictive value of 95%. In summary, the available evidence is currently insufficient to determine the role of this variant in disease. Therefore, it has been classified as a Variant of Uncertain Significance.

University of Washington Department of Laboratory Medicine, University of Washington
Classification: Likely benign for Hereditary cancer-predisposing syndrome. Last evaluated: 2023-03-23. Review status: criteria provided, single submitter. Criteria: Dines et al. (Genet Med. 2020). Collection method: curation. Allele origin: germline.
Comment: Missense variant in a coldspot region where missense variants are very unlikely to be pathogenic (PMID:31911673).

BRCA2 exon 10 coldspot. Reclassification based on statistical prior probability.

NM_000059.4(BRCA2):c.976A>G (p.Ser326Gly)

Gene: BRCA2 (BRCA2 DNA repair associated; plus strand). Cytogenetic location: 13q13.1.
Variant type: single nucleotide variant.
Coding change: c.976A>G on transcript NM_000059.4 (MANE Select); coding-DNA position 976, A replaced by G.
Protein change: p.Ser326Gly; replaces serine 326 with glycine.
Molecular consequence: missense variant.
Genome position (GRCh38, 1-based): chr13:32,332,454, A>G. VCF-style: chr13-32332454-A-G. GRCh37 (hg19) VCF-style: chr13-32906591-A-G.
Other names: short protein forms S326G.
Identifiers: ClinVar variation 462535 (VCV000462535.11), dbSNP rs1052441923, ClinGen allele CA387760937.